The following is an entry in ClinVar:

NM_024675.4(PALB2):c.2727_2728del (p.Thr911fs)

Gene: PALB2 (partner and localizer of BRCA2; minus strand). Cytogenetic location: 16p12.2.
Variant type: Deletion.
Coding change: c.2727_2728del on transcript NM_024675.4 (MANE Select); coding-DNA positions 2727 to 2728, 2 bases deleted (TT; older notation c.2727_2728delTT).
Protein change: p.Thr911fs; shifts the reading frame from threonine 911.
Molecular consequence: frameshift variant.
Genome position (GRCh38, 1-based): chr16:23,626,256-23,626,257, AA deleted on the plus strand (TT on the coding strand, the reverse complement: PALB2 is on the minus strand); deleting any 2 consecutive bases within chr16:23,626,256-23,626,258 gives the same sequence; the c. name uses the placement nearest the transcript's 3' end. VCF-style (leftmost placement, unchanged base first): chr16-23626255-TAA-T. GRCh37 (hg19) VCF-style: chr16-23637576-TAA-T.
Other names: c.2727_2728delTT (NM_024675.3).
Identifiers: ClinVar variation 182742 (VCV000182742.55), dbSNP rs730881869, ClinGen allele CA299664.

ClinVar aggregate classification (germline): Pathogenic/Likely pathogenic. Review status: criteria provided, multiple submitters, no conflicts (2 of 4 stars). 16 submissions from 16 submitters: Pathogenic (13); Likely pathogenic (1). 2 of the submissions do not count toward it. Last evaluated 2025-10-11.

Conditions:
PALB2-related disorder. Also called: PALB2-related condition; PALB2-related disorders.
Gastric cancer. Also called: Stomach cancer; Malignant tumor of stomach. Identifiers: MedGen C0024623, MeSH D013274, MONDO:0001056, OMIM 613659, HP:0012126.
Inherited ovarian cancer (without breast cancer).
Hereditary cancer-predisposing syndrome. Also called: Tumor predisposition; Neoplastic Syndromes, Hereditary; Hereditary Cancer Syndrome; Hereditary neoplastic syndrome. Identifiers: Orphanet 140162, MedGen C0027672, MeSH D009386, MONDO:0015356.
Familial cancer of breast. Also called: hereditary breast carcinoma; Hereditary breast cancer; BREAST CANCER, FAMILIAL. Identifiers: Orphanet 227535, MedGen C0346153, MONDO:0016419, OMIM 114480. Disease mechanism: loss of function.
Fanconi anemia complementation group N. Also called: PALB2-Related Fanconi Anemia. Identifiers: Orphanet 84, MedGen C1835817, MONDO:0012565, OMIM 610832. Disease mechanism: loss of function.
Pancreatic cancer, susceptibility to, 3. Identifiers: Orphanet 1333, MedGen C3150547, MONDO:0013236, OMIM 613348.
Hereditary breast ovarian cancer syndrome. Also called: Hereditary breast and ovarian cancer; Hereditary breast and ovarian cancer syndrome (HBOC); Breast and ovarian cancer; Hereditary breast and/or ovarian cancer syndrome; BRCA1- and BRCA2-Associated Hereditary Breast and Ovarian Cancer; Hereditary breast and ovarian cancer syndrome. Identifiers: Orphanet 145, MedGen C0677776, MeSH D061325, MONDO:0003582. Disease mechanism: loss of function.

Submissions 1 to 13 of 16:

Mayo Clinic Laboratories, Mayo Clinic
Classification: Pathogenic. Last evaluated: 2025-10-11. Review status: criteria provided, single submitter. Criteria: ACMG Guidelines, 2015. Collection method: clinical testing. Allele origin: germline. Observed: 1 variant allele.
Comment: PM2_supporting, PM5_supporting, PVS1

Labcorp Genetics (formerly Invitae), Labcorp
Classification: Pathogenic for Familial cancer of breast. Last evaluated: 2025-05-30. Review status: criteria provided, single submitter. Criteria: Invitae Variant Classification Sherloc (09022015). Collection method: clinical testing. Allele origin: germline.
Comment: This sequence change creates a premature translational stop signal (p.Thr911Leufs*16) in the PALB2 gene. It is expected to result in an absent or disrupted protein product. Loss-of-function variants in PALB2 are known to be pathogenic (PMID: 17200668, 17200671, 17200672, 24136930, 25099575). This variant is present in population databases (rs730881869, gnomAD 0.0009%). This premature translational stop signal has been observed in individual(s) with breast cancer (PMID: 26681312). ClinVar contains an entry for this variant (Variation ID: 182742). For these reasons, this variant has been classified as Pathogenic.

Cambridge Genomics Laboratory, East Genomic Laboratory Hub, NHS Genomic Medicine Service
Classification: Pathogenic for Inherited ovarian cancer (without breast cancer). Last evaluated: 2025-05-14. Review status: criteria provided, single submitter. Criteria: ACGS Best Practice Guidelines for Variant Classification in Rare Disease 2020. Collection method: clinical testing. Allele origin: germline. Affected: yes.
Comment: PVS1,PM2_Supporting,PM5_Supporting

Ambry Genetics
Classification: Pathogenic for Hereditary cancer-predisposing syndrome. Last evaluated: 2025-01-06. Review status: criteria provided, single submitter. Criteria: Ambry Variant Classification Scheme 2023. Collection method: clinical testing. Allele origin: germline.
Comment: The c.2727_2728delTT pathogenic mutation, located in coding exon 7 of the PALB2 gene, results from a deletion of two nucleotides at nucleotide positions 2727 to 2728, causing a translational frameshift with a predicted alternate stop codon (p.T911Lfs*16). This alteration has been identified in individuals diagnosed with breast cancer and a pancreatic exocrine neoplasm (Sun J et al. Clin Cancer Res, 2017 Oct;23:6113-6119; Lowery MA et al. J Natl Cancer Inst, 2018 10;110:1067-1074). This variant is considered to be rare based on population cohorts in the Genome Aggregation Database (gnomAD). In addition to the clinical data presented in the literature, this alteration is expected to result in loss of function by premature protein truncation or nonsense-mediated mRNA decay. As such, this alteration is interpreted as a disease-causing mutation.

Quest Diagnostics Nichols Institute San Juan Capistrano
Classification: Pathogenic. Last evaluated: 2024-12-04. Review status: criteria provided, single submitter. Criteria: Quest Diagnostics criteria. Collection method: clinical testing. Allele origin: unknown.
Comment: The PALB2 c.2727_2728del (p.Thr911Leufs*16) variant alters the translational reading frame of the PALB2 mRNA and causes the premature termination of PALB2 protein synthesis. This variant has been reported in the published literature in individuals with breast cancer (PMID: 26681312 (2015), 28724667 (2017)), ovarian cancer (PMID: 32546565 (2021)), and pancreatic cancer (PMID: 29506128 (2018)). This variant has also been identified in reportedly healthy individuals (PMID: 32546565 (2021), 36243179 (2022)). The frequency of this variant in the general population (Genome Aggregation Database) is consistent with pathogenicity. Based on the available information, this variant is classified as pathogenic.

Molecular Pathology, Peter Maccallum Cancer Centre
Classification: Pathogenic for Familial cancer of breast. Last evaluated: 2024-11-21. Review status: criteria provided, single submitter. Criteria: ACMG Guidelines, 2015. Collection method: clinical testing. Allele origin: germline. Inheritance: Autosomal dominant inheritance.

GeneDx
Classification: Pathogenic. Last evaluated: 2024-11-11. Review status: criteria provided, single submitter. Criteria: GeneDx Variant Classification Process June 2021. Collection method: clinical testing. Allele origin: germline. Affected: yes.
Comment: Frameshift variant predicted to result in protein truncation or nonsense mediated decay in a gene for which loss-of-function is a known mechanism of disease; Observed in individuals with a personal or family history consistent with pathogenic variants in this gene (PMID: 29506128, 28724667); Not observed at significant frequency in large population cohorts (gnomAD); Truncating variants in this gene are considered pathogenic by a well-established clinical consortium and/or database; This variant is associated with the following publications: (PMID: 28724667, 26681312, 29506128, 31447099, 32546565, 29922827, 36243179, 34887416, 33804961, 31768816)

Color Diagnostics, LLC DBA Color Health
Classification: Pathogenic for Hereditary cancer-predisposing syndrome. Last evaluated: 2023-10-04. Review status: criteria provided, single submitter. Criteria: ACMG Guidelines, 2015. Collection method: clinical testing. Allele origin: germline.
Comment: This variant deletes 2 nucleotides in exon 7 of the PALB2 gene, creating a frameshift and premature translation stop signal. This variant is expected to result in an absent or non-functional protein product. This variant has been reported in individuals affected with breast cancer (PMID: 26681312, 28724667, 31768816) and pancreatic cancer (PMID: 29506128). This variant has been identified in 1/251482 chromosomes in the general population by the Genome Aggregation Database (gnomAD). Loss of PALB2 function is a known mechanism of disease. Based on the available evidence, this variant is classified as Pathogenic.

Myriad Genetics, Inc.
Classification: Pathogenic for Familial cancer of breast. Last evaluated: 2023-09-13. Review status: criteria provided, single submitter. Criteria: Myriad Autosomal Dominant, Autosomal Recessive and X-Linked Classification Criteria (2023). Collection method: clinical testing. Allele origin: unknown.
Comment: This variant is considered pathogenic. This variant creates a frameshift predicted to result in premature protein truncation.

Baylor Genetics
Classification: Pathogenic for Familial cancer of breast. Last evaluated: 2022-04-27. Review status: criteria provided, single submitter. Criteria: ACMG Guidelines, 2015. Collection method: clinical testing. Allele origin: unknown.

Fulgent Genetics
Classification: Likely pathogenic for Familial cancer of breast; Fanconi anemia complementation group N; Pancreatic cancer, susceptibility to, 3. Last evaluated: 2021-09-27. Review status: criteria provided, single submitter. Criteria: ACMG Guidelines, 2015. Collection method: clinical testing. Allele origin: unknown.

Genetics and Molecular Pathology, SA Pathology
Classification: Pathogenic for Familial cancer of breast. Last evaluated: 2020-04-27. Review status: criteria provided, single submitter. Criteria: ACMG Guidelines, 2015. Collection method: clinical testing. Allele origin: germline. Affected: yes.

Women's Health and Genetics/Laboratory Corporation of America, LabCorp
Classification: Pathogenic for Hereditary breast and ovarian cancer syndrome. Last evaluated: 2019-04-12. Review status: criteria provided, single submitter. Criteria: LabCorp Variant Classification Summary - May 2015. Collection method: clinical testing. Allele origin: germline.
Comment: Variant summary: PALB2 c.2727_2728delTT (p.Thr911LeufsX16) results in a premature termination codon, predicted to cause a truncation of the encoded protein or absence of the protein due to nonsense mediated decay, which are commonly known mechanisms for disease. Truncations downstream of this position have been classified as pathogenic by our laboratory (eg. c.2920_2921delAA, p.Lys974fsX5; c.3113G>A, p.Trp1038X). The variant allele was found at a frequency of 4.1e-06 in 246270 control chromosomes. c.2727_2728delTT has been reported in the literature in individuals affected with breast and pancreatic cancer (Lowery_2018, Sun_2017, Susswein_2015). These data indicate that the variant is likely to be associated with disease. To our knowledge, no experimental evidence demonstrating an impact on protein function has been reported. Five clinical diagnostic laboratories have submitted clinical-significance assessments for this variant to ClinVar after 2014 without evidence for independent evaluation. All laboratories classified the variant as pathogenic/likely pathogenic. Based on the evidence outlined above, the variant was classified as pathogenic.